The following is an entry in ClinVar:

ClinVar aggregate classification (germline): Uncertain significance (1 of 4 stars; one submission).

Conditions:
Primary ciliary dyskinesia. Also called: Ciliary dyskinesia. Identifiers: Orphanet 244, MedGen C0008780, MONDO:0016575, HP:0012265.

gnomAD v4.1: 714 of 1,611,688 alleles (0.044%); highest among the groups gnomAD compares: South Asian, 0.74%; 6 homozygotes.

Submission:

Department of Human Genetics, Hannover Medical School
Classification: Uncertain significance for Primary Ciliary Dyskinesia. Last evaluated: 2026-04-01. Review status: criteria provided, single submitter. Criteria: ACMG Guidelines, 2015. Collection method: research. Allele origin: germline. Affected: no.
Comment: Classification performed by HerediClassify using the following criteria:['PM2_supporting: Variant occures does not occur as homozygous in gnomAD.', 'PP3_splicing_supporting: Variant is predicted to have a splice effect by SpliceAI with evidence strength supporting.', "PP4_moderate: The modified PICADAR socre of 6.0 exceeds threshold of 5 achieving 'strong' evidence strength."]

NM_000903.3(NQO1):c.7+6T>C

Genes: NQO1 (NAD(P)H quinone dehydrogenase 1; minus strand), LOC126862384 (BRD4-independent group 4 enhancer GRCh37_chr16:69760025-69761224; plus strand). Cytogenetic location: 16q22.1.
Variant type: single nucleotide variant.
Coding change: c.7+6T>C on transcript NM_000903.3 (MANE Select); 6 bases into the intron after coding-DNA position 7, T replaced by C.
Molecular consequence: intron variant.
Genome position (GRCh38, 1-based): chr16:69,726,427, A>G on the plus strand (T>C on the coding strand, the complement: NQO1 is on the minus strand). VCF-style: chr16-69726427-A-G. GRCh37 (hg19) VCF-style: chr16-69760330-A-G.
Other names: c.7+6T>C (NM_001286137.2, NM_001025434.2, NM_001025433.2).
Identifiers: ClinVar variation 4880109 (VCV004880109.1).